The following is an entry in ClinVar:

ClinVar aggregate classification (germline): Uncertain significance. Review status: criteria provided, multiple submitters, no conflicts (2 of 4 stars). 2 submissions from 2 submitters: Uncertain significance (2). Last evaluated 2025-02-18.

Conditions:
Hereditary cancer-predisposing syndrome. Also called: Hereditary neoplastic syndrome; Neoplastic Syndromes, Hereditary; Tumor predisposition; Hereditary Cancer Syndrome. Identifiers: Orphanet 140162, MedGen C0027672, MeSH D009386, MONDO:0015356.
Gorlin syndrome. Also called: Nevoid Basal Cell Carcinoma Syndrome; Basal cell nevus syndrome. Identifiers: Orphanet 377, MedGen C0004779, MONDO:0007187.

Submissions (2):

Ambry Genetics
Classification: Uncertain significance for Hereditary cancer-predisposing syndrome. Last evaluated: 2025-02-18. Review status: criteria provided, single submitter. Criteria: Ambry Variant Classification Scheme 2023. Collection method: clinical testing. Allele origin: germline.
Comment: The p.L1156V variant (also known as c.3466C>G), located in coding exon 21 of the PTCH1 gene, results from a C to G substitution at nucleotide position 3466. The leucine at codon 1156 is replaced by valine, an amino acid with highly similar properties. This amino acid position is highly conserved in available vertebrate species. In addition, this alteration is predicted to be deleterious by in silico analysis. Based on the available evidence, the clinical significance of this variant remains unclear.

Labcorp Genetics (formerly Invitae), Labcorp
Classification: Uncertain significance for Gorlin syndrome. Last evaluated: 2024-09-04. Review status: criteria provided, single submitter. Criteria: Invitae Variant Classification Sherloc (09022015). Collection method: clinical testing. Allele origin: germline.
Comment: This sequence change replaces leucine, which is neutral and non-polar, with valine, which is neutral and non-polar, at codon 1156 of the PTCH1 protein (p.Leu1156Val). This variant is not present in population databases (gnomAD no frequency). This variant has not been reported in the literature in individuals affected with PTCH1-related conditions. ClinVar contains an entry for this variant (Variation ID: 1023186). Invitae Evidence Modeling of protein sequence and biophysical properties (such as structural, functional, and spatial information, amino acid conservation, physicochemical variation, residue mobility, and thermodynamic stability) indicates that this missense variant is not expected to disrupt PTCH1 protein function with a negative predictive value of 95%. This variant disrupts the p.Leu1156 amino acid residue in PTCH1. Other variant(s) that disrupt this residue have been determined to be pathogenic (PMID: 30411536; internal data). This suggests that this residue is clinically significant, and that variants that disrupt this residue are likely to be disease-causing. In summary, the available evidence is currently insufficient to determine the role of this variant in disease. Therefore, it has been classified as a Variant of Uncertain Significance.

Literature cited by the submitters: PubMed 30411536 (cited by Labcorp Genetics (formerly Invitae), Labcorp).

NM_000264.5(PTCH1):c.3466C>G (p.Leu1156Val)

Gene: PTCH1 (patched 1; minus strand). Cytogenetic location: 9q22.32.
Variant type: single nucleotide variant.
Coding change: c.3466C>G on transcript NM_000264.5 (MANE Select); coding-DNA position 3466, C replaced by G.
Protein change: p.Leu1156Val; replaces leucine 1156 with valine.
Molecular consequence: missense variant. On other transcripts: non-coding transcript variant (1).
Genome position (GRCh38, 1-based): chr9:95,449,924, G>C on the plus strand (C>G on the coding strand, the complement: PTCH1 is on the minus strand). VCF-style: chr9-95449924-G-C. GRCh37 (hg19) VCF-style: chr9-98212206-G-C.
Other names: c.3466C>G (NM_000264.3); c.3268C>G, p.Leu1090Val (NM_001083602.3); c.3463C>G, p.Leu1155Val (NM_001083603.3); c.3013C>G, p.Leu1005Val (NM_001083604.3, NM_001083605.3, NM_001083606.3 and 1 more transcripts); c.3310C>G, p.Leu1104Val (NM_001354918.2); short protein forms L1005V, L1090V, L1104V, L1155V, L1156V.
Identifiers: ClinVar variation 1023186 (VCV001023186.10), dbSNP rs1838315273, ClinGen allele CA374111598.
Genomic context (GRCh38, chr9:95,449,924, plus strand): 5'-ACAAAAGCACGGGAAGCAAAACCAGCCCATTGAGAACGCCGAGGATGGTGAGGATCGCCA[G>C]CACAGCAAAGAAATACCTGGGAGATCAAGAGGAAACGGGAACACGCGCTGTGACAGGGTG-3'
Protein context (NP_000255.2, residues 1146-1166): DFIVRYFFAV[Leu1156Val]AILTILGVLN